The following is an entry in ClinVar:

NM_198576.4(AGRN):c.498G>A (p.Pro166=)

Gene: AGRN (agrin; plus strand). Cytogenetic location: 1p36.33.
Variant type: single nucleotide variant.
Coding change: c.498G>A on transcript NM_198576.4 (MANE Select); coding-DNA position 498, G replaced by A.
Protein change: p.Pro166=; no amino-acid change (proline 166 retained).
Molecular consequence: synonymous variant.
Genome position (GRCh38, 1-based): chr1:1,035,311, G>A. VCF-style: chr1-1035311-G-A. GRCh37 (hg19) VCF-style: chr1-970691-G-A.
Other names: c.498G>A, p.Pro166= (NM_001305275.2); c.183G>A, p.Pro61= (NM_001364727.2).
Identifiers: ClinVar variation 669341 (VCV000669341.5), dbSNP rs775955535, ClinGen allele CA507859.

ClinVar aggregate classification (germline): Likely benign. Review status: criteria provided, multiple submitters, no conflicts (2 of 4 stars). 2 submissions from 2 submitters: Likely benign (2). Last evaluated 2022-09-30.

Conditions:
Congenital myasthenic syndrome 8. Also called: MYASTHENIC SYNDROME, CONGENITAL, DUE TO AGRIN DEFICIENCY; Myasthenic syndrome, congenital, 8, with pre- and postsynaptic defects. Identifiers: Orphanet 590, MedGen C3808739, MONDO:0014052, OMIM 615120.

Allele frequency attached by ClinVar (database versions not stated): gnomAD 0.00004; TOPMed below 0.00001; ExAC 0.00006.
gnomAD v4.1: 20 of 1,612,992 alleles (0.0012%); highest among the groups gnomAD compares: East Asian, 0.0022%; no homozygotes.

Submissions (2):

Labcorp Genetics (formerly Invitae), Labcorp
Classification: Likely benign for Congenital myasthenic syndrome 8. Last evaluated: 2022-09-30. Review status: criteria provided, single submitter. Criteria: Invitae Variant Classification Sherloc (09022015). Collection method: clinical testing. Allele origin: germline.

GeneDx
Classification: Likely benign. Last evaluated: 2018-06-04. Review status: criteria provided, single submitter. Criteria: GeneDx Variant Classification (06012015). Collection method: clinical testing. Allele origin: germline. Affected: yes.
Comment: This variant is considered likely benign or benign based on one or more of the following criteria: it is a conservative change, it occurs at a poorly conserved position in the protein, it is predicted to be benign by multiple in silico algorithms, and/or has population frequency not consistent with disease.